The following is an entry in ClinVar:

ClinVar aggregate classification (germline): Uncertain significance (1 of 4 stars; one submission).

Conditions:
Leber congenital amaurosis 3 (LCA3). Also called: SPATA7-Related Retinitis Pigmentosa. Identifiers: MedGen C1858677, MONDO:0011415, OMIM 604232.

Submission:

Labcorp Genetics (formerly Invitae), Labcorp
Classification: Uncertain significance for Leber congenital amaurosis 3. Last evaluated: 2021-10-22. Review status: criteria provided, single submitter. Criteria: Invitae Variant Classification Sherloc (09022015). Collection method: clinical testing. Allele origin: germline.
Comment: In summary, the available evidence is currently insufficient to determine the role of this variant in disease. Therefore, it has been classified as a Variant of Uncertain Significance. Algorithms developed to predict the effect of missense changes on protein structure and function (SIFT, PolyPhen-2, Align-GVGD) all suggest that this variant is likely to be tolerated. This variant has not been reported in the literature in individuals affected with SPATA7-related conditions. This variant is not present in population databases (ExAC no frequency). This sequence change replaces serine with threonine at codon 360 of the SPATA7 protein (p.Ser360Thr). The serine residue is moderately conserved and there is a small physicochemical difference between serine and threonine.

NM_018418.5(SPATA7):c.1078T>A (p.Ser360Thr)

Gene: SPATA7 (spermatogenesis associated 7; plus strand). Cytogenetic location: 14q31.3.
Variant type: single nucleotide variant.
Coding change: c.1078T>A on transcript NM_018418.5 (MANE Select); coding-DNA position 1078, T replaced by A.
Protein change: p.Ser360Thr; replaces serine 360 with threonine.
Molecular consequence: missense variant.
Genome position (GRCh38, 1-based): chr14:88,431,221, T>A. VCF-style: chr14-88431221-T-A. GRCh37 (hg19) VCF-style: chr14-88897565-T-A.
Other names: c.982T>A, p.Ser328Thr (NM_001040428.4); short protein forms S360T, S328T.
Identifiers: ClinVar variation 1388705 (VCV001388705.6), dbSNP rs2140009451, ClinGen allele CA390567768.
Genomic context (GRCh38, chr14:88,431,221, plus strand): 5'-CCTCTTTCTAGGGCAATGTGTCAGTATTCCCTGAAGCCCCCTTCAACTCGTAAAATCTAC[T>A]CTGAGTAAGATCTTTTTTAAGTCTTCGTTTTGCATAGTGGAATCAAGGATTAAGAATCAA-3'
Protein context (NP_060888.2, residues 350-370): LKPPSTRKIY[Ser360Thr]DEEELLYLSF